The following is an entry in ClinVar:

ClinVar aggregate classification (germline): Uncertain significance. Review status: criteria provided, multiple submitters, no conflicts (2 of 4 stars). 2 submissions from 2 submitters: Uncertain significance (2). Last evaluated 2023-10-30.

Conditions:
Hereditary cancer-predisposing syndrome. Also called: Neoplastic Syndromes, Hereditary; Tumor predisposition; Hereditary Cancer Syndrome; Hereditary neoplastic syndrome. Identifiers: Orphanet 140162, MedGen C0027672, MeSH D009386, MONDO:0015356.

Allele frequency attached by ClinVar (database versions not stated): gnomAD exomes below 0.00001.
gnomAD v4.1: 1 of 1,613,682 alleles (0.000062%); highest among the groups gnomAD compares: Non-Finnish European, 0.000085%; no homozygotes.

Submissions (2):

Labcorp Genetics (formerly Invitae), Labcorp
Classification: Uncertain significance. Last evaluated: 2023-10-30. Review status: criteria provided, single submitter. Criteria: Invitae Variant Classification Sherloc (09022015). Collection method: clinical testing. Allele origin: germline.
Comment: This sequence change replaces glutamic acid, which is acidic and polar, with lysine, which is basic and polar, at codon 683 of the MSH3 protein (p.Glu683Lys). This variant is not present in population databases (gnomAD no frequency). This variant has not been reported in the literature in individuals affected with MSH3-related conditions. ClinVar contains an entry for this variant (Variation ID: 1784992). An algorithm developed to predict the effect of missense changes on protein structure and function (PolyPhen-2) suggests that this variant is likely to be tolerated. In summary, the available evidence is currently insufficient to determine the role of this variant in disease. Therefore, it has been classified as a Variant of Uncertain Significance.

Ambry Genetics
Classification: Uncertain significance for Hereditary cancer-predisposing syndrome. Last evaluated: 2023-07-28. Review status: criteria provided, single submitter. Criteria: Ambry Variant Classification Scheme 2023. Collection method: clinical testing. Allele origin: germline.
Comment: The p.E683K variant (also known as c.2047G>A), located in coding exon 14 of the MSH3 gene, results from a G to A substitution at nucleotide position 2047. The glutamic acid at codon 683 is replaced by lysine, an amino acid with similar properties. This amino acid position is not well conserved in available vertebrate species. In addition, this alteration is predicted to be tolerated by in silico analysis. Since supporting evidence is limited at this time, the clinical significance of this alteration remains unclear.

NM_002439.5(MSH3):c.2047G>A (p.Glu683Lys)

Gene: MSH3 (mutS homolog 3; plus strand). Cytogenetic location: 5q14.1.
Variant type: single nucleotide variant.
Coding change: c.2047G>A on transcript NM_002439.5 (MANE Select); coding-DNA position 2047, G replaced by A.
Protein change: p.Glu683Lys; replaces glutamic acid 683 with lysine.
Molecular consequence: missense variant.
Genome position (GRCh38, 1-based): chr5:80,768,083, G>A. VCF-style: chr5-80768083-G-A. GRCh37 (hg19) VCF-style: chr5-80063902-G-A.
Other names: short protein forms E683K.
Identifiers: ClinVar variation 1784992 (VCV001784992.6), dbSNP rs2112884524, ClinGen allele CA360277870.